The following is an entry in ClinVar:

NM_005475.3(SH2B3):c.383G>A (p.Arg128Gln)

Gene: SH2B3 (SH2B adaptor protein 3; plus strand). Cytogenetic location: 12q24.12.
Variant type: single nucleotide variant.
Coding change: c.383G>A on transcript NM_005475.3 (MANE Select); coding-DNA position 383, G replaced by A.
Protein change: p.Arg128Gln; replaces arginine 128 with glutamine.
Molecular consequence: missense variant.
Genome position (GRCh38, 1-based): chr12:111,418,528, G>A. VCF-style: chr12-111418528-G-A. GRCh37 (hg19) VCF-style: chr12-111856332-G-A.
Other names: short protein forms R128Q.
Identifiers: ClinVar variation 4630685 (VCV004630685.1).

ClinVar aggregate classification (germline): Uncertain significance (1 of 4 stars; one submission).

Conditions:
Inborn genetic diseases. Identifiers: MedGen C0950123, MeSH D030342.

gnomAD v4.1: 2 of 1,398,904 alleles (0.00014%); highest among the groups gnomAD compares: East Asian, 0.0034%; no homozygotes.

Submission:

Ambry Genetics
Classification: Uncertain significance for Inborn genetic diseases. Last evaluated: 2025-09-18. Review status: criteria provided, single submitter. Criteria: Ambry Variant Classification Scheme 2023. Collection method: clinical testing. Allele origin: germline.
Comment: The p.R128Q variant (also known as c.383G>A), located in coding exon 1 of the SH2B3 gene, results from a G to A substitution at nucleotide position 383. The arginine at codon 128 is replaced by glutamine, an amino acid with highly similar properties. This amino acid position is conserved. In addition, this alteration is predicted to be tolerated by in silico analysis. Based on the available evidence, the clinical significance of this variant remains unclear.